The following is an entry in ClinVar:

NM_001673.5(ASNS):c.164C>T (p.Pro55Leu)

Genes: ASNS (asparagine synthetase (glutamine-hydrolyzing); minus strand), CZ1P-ASNS (CZ1P-ASNS readthrough; minus strand). Cytogenetic location: 7q21.3.
Variant type: single nucleotide variant.
Coding change: c.164C>T on transcript NM_001673.5 (MANE Select); coding-DNA position 164, C replaced by T.
Protein change: p.Pro55Leu; replaces proline 55 with leucine.
Molecular consequence: missense variant. On other transcripts: non-coding transcript variant (1), intron variant (2).
Genome position (GRCh38, 1-based): chr7:97,868,993, G>A on the plus strand (C>T on the coding strand, the complement: ASNS is on the minus strand). VCF-style: chr7-97868993-G-A. GRCh37 (hg19) VCF-style: chr7-97498305-G-A.
Other names: c.164C>T, p.Pro55Leu (NM_133436.3, NM_001352496.2, NM_183356.4); c.101C>T, p.Pro34Leu (NM_001178075.2); c.-1+3358C>T (NM_001178076.2); c.-1+3048C>T (NM_001178077.1); short protein forms P55L, P34L.
Identifiers: ClinVar variation 2145064 (VCV002145064.4), dbSNP rs780414978, ClinGen allele CA4354836.
Genomic context (GRCh38, chr7:97,868,993, plus strand): 5'-TTGTAACAGAGCCACAAATACGGATATTTCTTCACTCGAATTGGCTGCATTCCAAACAGC[G>A]GGTCAACTACCGCCAACCGGTGAAATCCAAAGCAGCAGTTGGTGTATCCATTGACATTCT-3'
Protein context (NP_001664.3, residues 45-65): FGFHRLAVVD[Pro55Leu]LFGMQPIRVK

ClinVar aggregate classification (germline): Uncertain significance. Review status: criteria provided, multiple submitters, no conflicts (2 of 4 stars). 2 submissions from 2 submitters: Uncertain significance (2). Last evaluated 2022-09-13.

Conditions:
Congenital microcephaly - severe encephalopathy - progressive cerebral atrophy syndrome. Also called: ASNS DEFICIENCY; Asparagine synthetase deficiency. Identifiers: Orphanet 391376, MedGen C3809971, MONDO:0014258, OMIM 615574.

Allele frequency attached by ClinVar (database versions not stated): TOPMed 0.00001; gnomAD 0.00003.
gnomAD v4.1: 44 of 1,614,056 alleles (0.0027%); highest among the groups gnomAD compares: South Asian, 0.025%; no homozygotes.

Submissions (2):

Labcorp Genetics (formerly Invitae), Labcorp
Classification: Uncertain significance. Last evaluated: 2022-09-13. Review status: criteria provided, single submitter. Criteria: Invitae Variant Classification Sherloc (09022015). Collection method: clinical testing. Allele origin: germline.
Comment: This sequence change replaces proline, which is neutral and non-polar, with leucine, which is neutral and non-polar, at codon 55 of the ASNS protein (p.Pro55Leu). The frequency data for this variant in the population databases is considered unreliable, as metrics indicate poor data quality at this position in the gnomAD database. This variant has not been reported in the literature in individuals affected with ASNS-related conditions. Advanced modeling of protein sequence and biophysical properties (such as structural, functional, and spatial information, amino acid conservation, physicochemical variation, residue mobility, and thermodynamic stability) performed at Invitae indicates that this missense variant is not expected to disrupt ASNS protein function. In summary, the available evidence is currently insufficient to determine the role of this variant in disease. Therefore, it has been classified as a Variant of Uncertain Significance.

Revvity Omics, Revvity
Classification: Uncertain significance for Congenital microcephaly - severe encephalopathy - progressive cerebral atrophy syndrome. Last evaluated: 2020-04-02. Review status: criteria provided, single submitter. Criteria: ACMG Guidelines, 2015. Collection method: clinical testing. Allele origin: germline.